The following is an entry in ClinVar:

NM_017780.4(CHD7):c.7250G>C (p.Arg2417Thr)

Gene: CHD7 (chromodomain helicase DNA binding protein 7; plus strand). Cytogenetic location: 8q12.2.
Variant type: single nucleotide variant.
Coding change: c.7250G>C on transcript NM_017780.4 (MANE Select); coding-DNA position 7250, G replaced by C.
Protein change: p.Arg2417Thr; replaces arginine 2417 with threonine.
Molecular consequence: missense variant. On other transcripts: intron variant (1).
Genome position (GRCh38, 1-based): chr8:60,856,530, G>C. VCF-style: chr8-60856530-G-C. GRCh37 (hg19) VCF-style: chr8-61769089-G-C.
Other names: c.1717-5699G>C (NM_001316690.1); short protein forms R2417T.
Identifiers: ClinVar variation 1719114 (VCV001719114.5), dbSNP rs776169011, ClinGen allele CA371300273.
Genomic context (GRCh38, chr8:60,856,530, plus strand): 5'-CTCGCCAGCGGAGGAGGAGGAGGAGAAAAATCGAAATTGAGGCCGAAAGAGCTGCCAAGA[G>C]GCGAAATCTCATGGAGATGGTTGCCCAGCTTCGAGAGTCTCAGGTGGTCTCAGAAAATGG-3'
Protein context (NP_060250.2, residues 2407-2427): IEIEAERAAK[Arg2417Thr]RNLMEMVAQL

ClinVar aggregate classification (germline): Uncertain significance (1 of 4 stars; one submission).

Conditions:
CHARGE syndrome (CHARGE). Also called: Hittner Hirsch Kreh syndrome; CHARGE ASSOCIATION--COLOBOMA, HEART ANOMALY, CHOANAL ATRESIA, RETARDATION, GENITAL AND EAR ANOMALIES; Coloboma, heart anomaly, choanal atresia, retardation, genital and ear anomalies; CHARGE association; Hall-Hittner syndrome. Identifiers: Orphanet 138, MedGen C0265354, MONDO:0008965.

Submission:

Labcorp Genetics (formerly Invitae), Labcorp
Classification: Uncertain significance for CHARGE syndrome. Last evaluated: 2022-09-09. Review status: criteria provided, single submitter. Criteria: Invitae Variant Classification Sherloc (09022015). Collection method: clinical testing. Allele origin: germline.
Comment: In summary, the available evidence is currently insufficient to determine the role of this variant in disease. Therefore, it has been classified as a Variant of Uncertain Significance. Advanced modeling of protein sequence and biophysical properties (such as structural, functional, and spatial information, amino acid conservation, physicochemical variation, residue mobility, and thermodynamic stability) performed at Invitae indicates that this missense variant is not expected to disrupt CHD7 protein function. This variant has not been reported in the literature in individuals affected with CHD7-related conditions. This variant is not present in population databases (gnomAD no frequency). This sequence change replaces arginine, which is basic and polar, with threonine, which is neutral and polar, at codon 2417 of the CHD7 protein (p.Arg2417Thr).